The following is an entry in ClinVar:

ClinVar aggregate classification (germline): Uncertain significance (1 of 4 stars; one submission).

Conditions:
Cardiovascular phenotype. Identifiers: MedGen CN230736.

gnomAD v4.1: 1 of 1,511,324 alleles (0.000066%); highest among the groups gnomAD compares: Non-Finnish European, 0.000089%; no homozygotes.

Submission:

Ambry Genetics
Classification: Uncertain significance for Cardiovascular phenotype. Last evaluated: 2025-03-09. Review status: criteria provided, single submitter. Criteria: Ambry Variant Classification Scheme 2023. Collection method: clinical testing. Allele origin: germline.
Comment: The p.P3A variant (also known as c.7C>G), located in coding exon 1 of the LMF1 gene, results from a C to G substitution at nucleotide position 7. The proline at codon 3 is replaced by alanine, an amino acid with highly similar properties. This amino acid position is conserved. In addition, this alteration is predicted to be tolerated by in silico analysis. Based on the available evidence, the clinical significance of this variant remains unclear.

NM_022773.4(LMF1):c.7C>G (p.Pro3Ala)

Genes: LMF1 (lipase maturation factor 1; minus strand), LOC130058141 (ATAC-STARR-seq lymphoblastoid silent region 6962; plus strand). Cytogenetic location: 16p13.3.
Variant type: single nucleotide variant.
Coding change: c.7C>G on transcript NM_022773.4 (MANE Select); coding-DNA position 7, C replaced by G.
Protein change: p.Pro3Ala; replaces proline 3 with alanine.
Molecular consequence: missense variant. On other transcripts: 5 prime UTR variant (1), non-coding transcript variant (1), intron variant (3).
Genome position (GRCh38, 1-based): chr16:970,974, G>C on the plus strand (C>G on the coding strand, the complement: LMF1 is on the minus strand). VCF-style: chr16-970974-G-C. GRCh37 (hg19) VCF-style: chr16-1020974-G-C.
Other names: c.7C>G, p.Pro3Ala (NM_001352020.1); c.-699C>G (NM_001352021.2); c.-135+10171C>G (NM_001352019.2); c.-611+10171C>G (NM_001352017.2); c.-362+10171C>G (NM_001352018.2); short protein forms P3A.
Identifiers: ClinVar variation 3867474 (VCV003867474.1).